The following is an entry in ClinVar:

ClinVar aggregate classification (germline): Uncertain significance (1 of 4 stars; one submission).

Allele frequency attached by ClinVar (database versions not stated): gnomAD exomes below 0.00001; gnomAD 0.00001; ExAC 0.00002; 1000 Genomes Project 30x 0.00016; 1000 Genomes Project 0.00020.
gnomAD v4.1: 5 of 1,614,152 alleles (0.00031%); highest among the groups gnomAD compares: East Asian, 0.0089%; no homozygotes.

Submission:

Labcorp Genetics (formerly Invitae), Labcorp
Classification: Uncertain significance. Last evaluated: 2022-11-12. Review status: criteria provided, single submitter. Criteria: Invitae Variant Classification Sherloc (09022015). Collection method: clinical testing. Allele origin: germline.
Comment: This sequence change replaces valine, which is neutral and non-polar, with alanine, which is neutral and non-polar, at codon 310 of the KIF23 protein (p.Val310Ala). This variant is present in population databases (rs532640614, gnomAD 0.02%). In summary, the available evidence is currently insufficient to determine the role of this variant in disease. Therefore, it has been classified as a Variant of Uncertain Significance. This variant has not been reported in the literature in individuals affected with KIF23-related conditions. Advanced modeling of protein sequence and biophysical properties (such as structural, functional, and spatial information, amino acid conservation, physicochemical variation, residue mobility, and thermodynamic stability) performed at Invitae indicates that this missense variant is not expected to disrupt KIF23 protein function.

NM_001367805.3(KIF23):c.971T>C (p.Val324Ala)

Gene: KIF23 (kinesin family member 23; plus strand). Cytogenetic location: 15q23.
Variant type: single nucleotide variant.
Coding change: c.971T>C on transcript NM_001367805.3 (MANE Select); coding-DNA position 971, T replaced by C.
Protein change: p.Val324Ala; replaces valine 324 with alanine.
Molecular consequence: missense variant. On other transcripts: non-coding transcript variant (2).
Genome position (GRCh38, 1-based): chr15:69,426,417, T>C. VCF-style: chr15-69426417-T-C. GRCh37 (hg19) VCF-style: chr15-69718756-T-C.
Other names: c.599T>C, p.Val200Ala (NM_001281301.2); c.929T>C, p.Val310Ala (NM_001367804.2, NM_004856.7, NM_138555.4); short protein forms V310A, V200A, V324A.
Identifiers: ClinVar variation 2971235 (VCV002971235.3), dbSNP rs532640614, ClinGen allele CA7635034.